The following is an entry in ClinVar:

NM_014365.3(HSPB8):c.281A>G (p.Glu94Gly)

Gene: HSPB8 (heat shock protein family B (small) member 8; plus strand). Cytogenetic location: 12q24.23.
Variant type: single nucleotide variant.
Coding change: c.281A>G on transcript NM_014365.3 (MANE Select); coding-DNA position 281, A replaced by G.
Protein change: p.Glu94Gly; replaces glutamic acid 94 with glycine.
Molecular consequence: missense variant.
Genome position (GRCh38, 1-based): chr12:119,179,593, A>G. VCF-style: chr12-119179593-A-G. GRCh37 (hg19) VCF-style: chr12-119617398-A-G.
Other names: short protein forms E94G.
Identifiers: ClinVar variation 2081257 (VCV002081257.4), dbSNP rs2500034844, ClinGen allele CA386525685.

ClinVar aggregate classification (germline): Uncertain significance (1 of 4 stars; one submission).

Conditions:
Charcot-Marie-Tooth disease axonal type 2L. Also called: Charcot-Marie-Tooth Neuropathy Type 2L; CHARCOT-MARIE-TOOTH DISEASE, AXONAL, AUTOSOMAL DOMINANT, TYPE 2L; CHARCOT-MARIE-TOOTH NEUROPATHY, AXONAL, TYPE 2L. Identifiers: Orphanet 99945, MedGen C1837552, MONDO:0012096, OMIM 608673.

Submission:

Labcorp Genetics (formerly Invitae), Labcorp
Classification: Uncertain significance for Charcot-Marie-Tooth disease axonal type 2L. Last evaluated: 2023-08-17. Review status: criteria provided, single submitter. Criteria: Invitae Variant Classification Sherloc (09022015). Collection method: clinical testing. Allele origin: germline.
Comment: This sequence change replaces glutamic acid, which is acidic and polar, with glycine, which is neutral and non-polar, at codon 94 of the HSPB8 protein (p.Glu94Gly). This variant is not present in population databases (gnomAD no frequency). This variant has not been reported in the literature in individuals affected with HSPB8-related conditions. ClinVar contains an entry for this variant (Variation ID: 2081257). An algorithm developed to predict the effect of missense changes on protein structure and function (PolyPhen-2) suggests that this variant is likely to be disruptive. In summary, the available evidence is currently insufficient to determine the role of this variant in disease. Therefore, it has been classified as a Variant of Uncertain Significance.